The following is an entry in ClinVar:

NM_001079866.2(BCS1L):c.478C>A (p.Gln160Lys)

Gene: BCS1L (BCS1 ubiquinol-cytochrome c reductase complex chaperone; plus strand). Cytogenetic location: 2q35.
Variant type: single nucleotide variant.
Coding change: c.478C>A on transcript NM_001079866.2 (MANE Select); coding-DNA position 478, C replaced by A.
Protein change: p.Gln160Lys; replaces glutamine 160 with lysine.
Molecular consequence: missense variant. On other transcripts: 5 prime UTR variant (6), non-coding transcript variant (1).
Genome position (GRCh38, 1-based): chr2:218,661,776, C>A. VCF-style: chr2-218661776-C-A. GRCh37 (hg19) VCF-style: chr2-219526499-C-A.
Other names: c.478C>A, p.Gln160Lys (NM_001257342.2, NM_001257343.2, NM_001257344.2 and 10 more transcripts); c.118C>A, p.Gln40Lys (NM_001318836.2, NM_001371451.1); c.-24C>A (NM_001371452.1, NM_001371453.1, NM_001371454.1 and 3 more transcripts); short protein forms Q40K, Q160K.
Identifiers: ClinVar variation 2115430 (VCV002115430.5), dbSNP rs373105002, ClinGen allele CA350626901.

ClinVar aggregate classification (germline): Uncertain significance. Review status: criteria provided, single submitter (1 of 4 stars). 2 submissions from 2 submitters: Uncertain significance (1). 1 of the submissions does not count toward it. Last evaluated 2022-03-20.

Conditions:
GRACILE syndrome (FLNMS). Also called: FELLMAN SYNDROME; FINNISH LETHAL NEONATAL METABOLIC SYNDROME. Identifiers: Orphanet 53693, MedGen C1864002, MONDO:0011308, OMIM 603358.

Submissions (2):

Labcorp Genetics (formerly Invitae), Labcorp
Classification: Uncertain significance. Last evaluated: 2022-03-20. Review status: criteria provided, single submitter. Criteria: Invitae Variant Classification Sherloc (09022015). Collection method: clinical testing. Allele origin: germline.
Comment: In summary, the available evidence is currently insufficient to determine the role of this variant in disease. Therefore, it has been classified as a Variant of Uncertain Significance. Advanced modeling of protein sequence and biophysical properties (such as structural, functional, and spatial information, amino acid conservation, physicochemical variation, residue mobility, and thermodynamic stability) performed at Invitae indicates that this missense variant is not expected to disrupt BCS1L protein function. This variant has not been reported in the literature in individuals affected with BCS1L-related conditions. This variant is not present in population databases (gnomAD no frequency). This sequence change replaces glutamine, which is neutral and polar, with lysine, which is basic and polar, at codon 160 of the BCS1L protein (p.Gln160Lys).

Natera, Inc.
Classification: Uncertain significance for GRACILE syndrome. Last evaluated: 2025-02-10. Review status: no assertion criteria provided. Collection method: clinical testing. Allele origin: germline. Not counted in ClinVar's aggregate classification.